The following is an entry in ClinVar:

NM_004655.4(AXIN2):c.1060-11A>C

Gene: AXIN2 (axin 2; minus strand). Cytogenetic location: 17q24.1.
Variant type: single nucleotide variant.
Coding change: c.1060-11A>C on transcript NM_004655.4 (MANE Select); 11 bases into the intron before coding-DNA position 1060, A replaced by C.
Molecular consequence: intron variant.
Genome position (GRCh38, 1-based): chr17:65,538,354, T>G on the plus strand (A>C on the coding strand, the complement: AXIN2 is on the minus strand). VCF-style: chr17-65538354-T-G. GRCh37 (hg19) VCF-style: chr17-63534472-T-G.
Other names: c.1060-11A>C (NM_001363813.1).
Identifiers: ClinVar variation 3378945 (VCV003378945.1).
Genomic context (GRCh38, chr17:65,538,354, plus strand): 5'-AAGGTGGCGGGTTCCACGGGGGTCATCTCCTTGGGCAGGCGGTGGGTTCTCTACAGGACG[T>G]GGAAAGGAAAGGGAGGAGGCACGTTCAGCAGGCTAGGTGGGCGGTGGCTTGGCCGGAGCT-3'

ClinVar aggregate classification (germline): Likely benign (1 of 4 stars; one submission).

Conditions:
Oligodontia-cancer predisposition syndrome. Also called: TOOTH AGENESIS-COLORECTAL CANCER SYNDROME. Identifiers: Orphanet 300576, MedGen C1837750, MONDO:0012075, OMIM 608615. Disease mechanism: loss of function.

Submission:

Myriad Genetics, Inc.
Classification: Likely benign for Oligodontia-cancer predisposition syndrome. Last evaluated: 2024-07-01. Review status: criteria provided, single submitter. Criteria: Myriad Autosomal Dominant, Autosomal Recessive and X-Linked Classification Criteria (2023). Collection method: clinical testing. Allele origin: unknown.
Comment: This variant is considered likely benign. This variant is intronic and is not expected to impact mRNA splicing.